The following is an entry in ClinVar:

NM_000256.3(MYBPC3):c.1791-10_1791-8delinsCCT

Gene: MYBPC3 (myosin binding protein C3; minus strand). Cytogenetic location: 11p11.2.
Variant type: Indel.
Coding change: c.1791-10_1791-8delinsCCT on transcript NM_000256.3 (MANE Select); 10 bases into the intron before coding-DNA position 1791 through 8 bases into the intron before coding-DNA position 1791, TCC replaced by CCT.
Molecular consequence: intron variant.
Genome position (GRCh38, 1-based): chr11:47,341,252-47,341,254, GGA replaced by AGG on the plus strand (TCC replaced by CCT on the coding strand, the reverse complement: MYBPC3 is on the minus strand). VCF-style: chr11-47341252-GGA-AGG. GRCh37 (hg19) VCF-style: chr11-47362803-GGA-AGG.
Identifiers: ClinVar variation 227563 (VCV000227563.6), dbSNP rs876657510, ClinGen allele CA10576890.

ClinVar aggregate classification (germline): Likely benign. Review status: criteria provided, multiple submitters, no conflicts (2 of 4 stars). 2 submissions from 2 submitters: Likely benign (2). Last evaluated 2019-12-29.

Conditions:
Cardiomyopathy (CMYO). Also called: Cardiomyopathies. Identifiers: Orphanet 167848, MedGen C0878544, MONDO:0004994, HP:0001638. Inheritance: Various modes of inheritance.

Submissions (2):

Color Diagnostics, LLC DBA Color Health
Classification: Likely benign for Cardiomyopathy. Last evaluated: 2019-12-29. Review status: criteria provided, single submitter. Criteria: ACMG Guidelines, 2015. Collection method: clinical testing. Allele origin: germline.

Laboratory for Molecular Medicine, Mass General Brigham Personalized Medicine
Classification: Likely benign. Last evaluated: 2015-03-23. Review status: criteria provided, single submitter. Criteria: LMM Criteria. Collection method: clinical testing. Allele origin: germline. Observed: 2 variant alleles.
Comment: c.1791-10_1791-8delinsCCT in intron 18 of MYBPC3: This variant is not expected t o have clinical significance because this variant results in a T>C at position c .1791-10 and a C>T change at position c.1791-8 and these changes do not diverge from the splice consensus sequence and are therefore unlikely to impact splicing .